The following is an entry in ClinVar:

ClinVar aggregate classification (germline): Uncertain significance (1 of 4 stars; one submission).

Allele frequency attached by ClinVar (database versions not stated): gnomAD exomes 0.00001.
gnomAD v4.1: 10 of 1,613,646 alleles (0.00062%); highest among the groups gnomAD compares: Non-Finnish European, 0.00085%; no homozygotes.

Submission:

Labcorp Genetics (formerly Invitae), Labcorp
Classification: Uncertain significance. Last evaluated: 2022-01-13. Review status: criteria provided, single submitter. Criteria: Invitae Variant Classification Sherloc (09022015). Collection method: clinical testing. Allele origin: germline.
Comment: This variant is not present in population databases (gnomAD no frequency). In summary, the available evidence is currently insufficient to determine the role of this variant in disease. Therefore, it has been classified as a Variant of Uncertain Significance. Algorithms developed to predict the effect of missense changes on protein structure and function are either unavailable or do not agree on the potential impact of this missense change (SIFT: "Deleterious"; PolyPhen-2: "Possibly Damaging"; Align-GVGD: "Class C0"). This variant has not been reported in the literature in individuals affected with ADGRA3-related conditions. This sequence change replaces valine, which is neutral and non-polar, with alanine, which is neutral and non-polar, at codon 463 of the ADGRA3 protein (p.Val463Ala).

NM_145290.4(ADGRA3):c.1388T>C (p.Val463Ala)

Gene: ADGRA3 (adhesion G protein-coupled receptor A3; minus strand). Cytogenetic location: 4p15.2.
Variant type: single nucleotide variant.
Coding change: c.1388T>C on transcript NM_145290.4 (MANE Select); coding-DNA position 1388, T replaced by C.
Protein change: p.Val463Ala; replaces valine 463 with alanine.
Molecular consequence: missense variant.
Genome position (GRCh38, 1-based): chr4:22,435,366, A>G on the plus strand (T>C on the coding strand, the complement: ADGRA3 is on the minus strand). VCF-style: chr4-22435366-A-G. GRCh37 (hg19) VCF-style: chr4-22436989-A-G.
Other names: short protein forms V463A.
Identifiers: ClinVar variation 1496720 (VCV001496720.8), dbSNP rs2109060160, ClinGen allele CA356481799.
Genomic context (GRCh38, chr4:22,435,366, plus strand): 5'-AGTACCTCTTTTGATTTTTCCTCCTTGGTAAATCTTCCAAATTTTTCAATCATTTCTGCC[A>G]CAAATATAACATCCATTTTGTCAGAAAAGTTGGCTGCTTCCACAGTGTAAGCCAGTAACT-3'
Protein context (NP_660333.2, residues 453-473): NFSDKMDVIF[Val463Ala]AEMIEKFGRF